The following is an entry in ClinVar:

NM_012472.6(DNAAF11):c.695C>T (p.Thr232Ile)

Gene: DNAAF11 (dynein axonemal assembly factor 11; minus strand). Cytogenetic location: 8q24.22.
Variant type: single nucleotide variant.
Coding change: c.695C>T on transcript NM_012472.6 (MANE Select); coding-DNA position 695, C replaced by T.
Protein change: p.Thr232Ile; replaces threonine 232 with isoleucine.
Molecular consequence: missense variant. On other transcripts: non-coding transcript variant (10).
Genome position (GRCh38, 1-based): chr8:132,625,413, G>A on the plus strand (C>T on the coding strand, the complement: DNAAF11 is on the minus strand). VCF-style: chr8-132625413-G-A. GRCh37 (hg19) VCF-style: chr8-133637659-G-A.
Other names: c.695C>T, p.Thr232Ile (NM_001321961.2); c.449C>T, p.Thr150Ile (NM_001321962.2); c.335C>T, p.Thr112Ile (NM_001321963.2, NM_001321964.2, NM_001321965.2 and 1 more transcripts); c.695C>T (NM_012472.3); short protein forms T232I, T112I, T150I.
Identifiers: ClinVar variation 260278 (VCV000260278.28), dbSNP rs2293979, ClinGen allele CA4881319.
Genomic context (GRCh38, chr8:132,625,413, plus strand): 5'-TTATTCCAGAATTCCAAGTCATCTTCACTGTTGTCTAATTTCTTTGTGTTGTGTTCCTCT[G>A]TGTCTGGTGCCTGTAGGTGGTCTTTGCTCTCTAAAGAGGAACTAGGAAAAACAAATAGAG-3'
Protein context (NP_036604.2, residues 222-242): ESKDHLQAPD[Thr232Ile]EEHNTKKLDN

ClinVar aggregate classification (germline): Benign/Likely benign. Review status: criteria provided, multiple submitters, no conflicts (2 of 4 stars). 11 submissions from 11 submitters: Benign (9); Likely benign (1). 1 of the submissions does not count toward it. Last evaluated 2026-02-04.

Conditions:
Primary ciliary dyskinesia 19. Also called: CILIARY DYSKINESIA, PRIMARY, 19, WITH OR WITHOUT SITUS INVERSUS. Identifiers: Orphanet 244, MedGen C3543826, MONDO:0013979, OMIM 614935.
Primary ciliary dyskinesia. Also called: Ciliary dyskinesia. Identifiers: Orphanet 244, MedGen C0008780, MONDO:0016575, HP:0012265.

Allele frequency attached by ClinVar (database versions not stated): gnomAD exomes 0.41143; ExAC 0.41905; 1000 Genomes Project 0.48622; 1000 Genomes Project 30x 0.49859; gnomAD 0.50907 and 0.51887; TOPMed 0.51748; ESP Exome Variant Server 0.55820.
gnomAD v4.1: 678,170 of 1,610,902 alleles (42%); highest among the groups gnomAD compares: African/African-American, 83%; 152,357 homozygotes.

Submissions (11):

Labcorp Genetics (formerly Invitae), Labcorp
Classification: Benign for Primary ciliary dyskinesia 19. Last evaluated: 2026-02-04. Review status: criteria provided, single submitter. Criteria: Invitae Variant Classification Sherloc (09022015). Collection method: clinical testing. Allele origin: germline.

Blueprint Genetics
Classification: Likely benign. Last evaluated: 2024-11-27. Review status: criteria provided, single submitter. Criteria: ACMG Guidelines, 2015. Collection method: clinical testing. Allele origin: germline.

Mayo Clinic Laboratories, Mayo Clinic
Classification: Benign. Last evaluated: 2022-04-26. Review status: criteria provided, single submitter. Criteria: ACMG Guidelines, 2015. Collection method: clinical testing. Allele origin: germline. Observed: 134 variant alleles.

Genome-Nilou Lab
Classification: Benign for Primary ciliary dyskinesia 19. Last evaluated: 2021-08-19. Review status: criteria provided, single submitter. Criteria: ACMG Guidelines, 2015. Collection method: clinical testing. Allele origin: germline. Affected: no.

GeneDx
Classification: Benign. Last evaluated: 2018-11-12. Review status: criteria provided, single submitter. Criteria: GeneDx Variant Classification Process June 2021. Collection method: clinical testing. Allele origin: germline. Affected: yes.

Ambry Genetics
Classification: Benign for Primary ciliary dyskinesia. Last evaluated: 2016-07-07. Review status: criteria provided, single submitter. Criteria: Ambry Variant Classification Scheme 2023. Collection method: clinical testing. Allele origin: germline.

Laboratory for Molecular Medicine, Mass General Brigham Personalized Medicine
Classification: Benign. Last evaluated: 2016-03-29. Review status: criteria provided, single submitter. Criteria: LMM Criteria. Collection method: clinical testing. Allele origin: germline.
Comment: Variant identified in a genome or exome case(s) and assessed due to predicted null impact of the variant or pathogenic assertions in the literature or databases. Disclaimer: This variant has not undergone full assessment. The following are preliminary notes: Frequency

Clinical Genetics DNA and cytogenetics Diagnostics Lab, Erasmus MC, Erasmus Medical Center
Classification: Benign for Primary ciliary dyskinesia 19. Last evaluated: 2015-09-21. Review status: criteria provided, single submitter. Criteria: ACGS Guidelines, 2013. Collection method: clinical testing. Allele origin: germline. Affected: yes. Study: VKGL Data-share Consensus.

Breakthrough Genomics
Classification: Benign. Review status: criteria provided, single submitter. Criteria: ACMG Guidelines, 2015. Collection method: not provided. Allele origin: germline. Inheritance: Autosomal recessive inheritance. Affected: yes.

PreventionGenetics, part of Exact Sciences
Classification: Benign. Review status: criteria provided, single submitter. Criteria: ACMG Guidelines, 2015. Collection method: clinical testing. Allele origin: germline.

Diagnostic Laboratory, Department of Genetics, University Medical Center Groningen
Classification: Benign for Primary ciliary dyskinesia 19. Review status: no assertion criteria provided. Collection method: clinical testing. Allele origin: germline. Affected: yes. Study: VKGL Data-share Consensus. Not counted in ClinVar's aggregate classification.